The following is an entry in ClinVar:

NC_000008.10:g.(?_43046597)_(43054712_?)dup

Gene: HGSNAT (heparan-alpha-glucosaminide N-acetyltransferase; plus strand). Cytogenetic location: 8p11.21.
Variant type: Duplication.
Identifiers: ClinVar variation 2427381 (VCV002427381.3).

ClinVar aggregate classification (germline): Uncertain significance (1 of 4 stars; one submission).

Conditions:
Retinitis pigmentosa 73 (RP73). Identifiers: Orphanet 791, MedGen C4225287, MONDO:0014687, OMIM 616544.
Mucopolysaccharidosis, MPS-III-C (MPS3C). Also called: SANFILIPPO SYNDROME C; MPS IIIC (Sanfilippo Syndrome Type C); MPS III C; Mucopolysaccharidosis type IIIC (Sanfilippo C); MUCOPOLYSACCHARIDOSIS, TYPE IIIC; mucopolysaccharidosis type 3C. Identifiers: Orphanet 581, Orphanet 79271, MedGen C0086649, MONDO:0009657, OMIM 252930.

Submission:

Labcorp Genetics (formerly Invitae), Labcorp
Classification: Uncertain significance for Retinitis pigmentosa 73; Mucopolysaccharidosis, MPS-III-C. Last evaluated: 2022-08-02. Review status: criteria provided, single submitter. Criteria: Invitae Variant Classification Sherloc (09022015). Collection method: clinical testing. Allele origin: germline.
Comment: This variant results in a copy number gain of the genomic region encompassing exon(s) 12-18 of the HGSNAT gene. This region includes the termination codon of the gene. This copy number gain extends beyond the assayed region for this gene and therefore may encompass additional genes. As the precise location of this event is unknown, it may be in tandem or it may be located elsewhere in the genome. This variant has not been reported in the literature in individuals affected with HGSNAT-related conditions. In summary, the available evidence is currently insufficient to determine the role of this variant in disease. Therefore, it has been classified as a Variant of Uncertain Significance.